The following is an entry in ClinVar:

NM_005585.5(SMAD6):c.277A>C (p.Met93Leu)

Gene: SMAD6 (SMAD family member 6; plus strand). Cytogenetic location: 15q22.31.
Variant type: single nucleotide variant.
Coding change: c.277A>C on transcript NM_005585.5 (MANE Select); coding-DNA position 277, A replaced by C.
Protein change: p.Met93Leu; replaces methionine 93 with leucine.
Molecular consequence: missense variant. On other transcripts: non-coding transcript variant (1).
Genome position (GRCh38, 1-based): chr15:66,703,535, A>C. VCF-style: chr15-66703535-A-C. GRCh37 (hg19) VCF-style: chr15-66995873-A-C.
Other names: c.277A>C (NM_005585.4); short protein forms M93L.
Identifiers: ClinVar variation 1423537 (VCV001423537.9), dbSNP rs781686740, ClinGen allele CA392949142.

ClinVar aggregate classification (germline): Uncertain significance. Review status: criteria provided, multiple submitters, no conflicts (2 of 4 stars). 2 submissions from 2 submitters: Uncertain significance (2). Last evaluated 2025-03-23.

Conditions:
Aortic valve disease 2 (AOVD2). Identifiers: MedGen C3542024, MONDO:0013902, OMIM 614823.

gnomAD v4.1: 1 of 1,221,538 alleles (0.000082%); highest among the groups gnomAD compares: Non-Finnish European, 0.0001%; no homozygotes.

Submissions (2):

GeneDx
Classification: Uncertain significance. Last evaluated: 2025-03-23. Review status: criteria provided, single submitter. Criteria: GeneDx Variant Classification Process June 2021. Collection method: clinical testing. Allele origin: germline. Affected: yes.
Comment: Not observed at significant frequency in large population cohorts (gnomAD); In silico analysis indicates that this missense variant does not alter protein structure/function; Has not been previously published as pathogenic or benign to our knowledge

Labcorp Genetics (formerly Invitae), Labcorp
Classification: Uncertain significance for Aortic valve disease 2. Last evaluated: 2021-03-31. Review status: criteria provided, single submitter. Criteria: Invitae Variant Classification Sherloc (09022015). Collection method: clinical testing. Allele origin: germline.
Comment: This sequence change replaces methionine with leucine at codon 93 of the SMAD6 protein (p.Met93Leu). The methionine residue is weakly conserved and there is a small physicochemical difference between methionine and leucine. The frequency data for this variant in the population databases is considered unreliable, as metrics indicate insufficient coverage at this position in the ExAC database. In summary, the available evidence is currently insufficient to determine the role of this variant in disease. Therefore, it has been classified as a Variant of Uncertain Significance. Algorithms developed to predict the effect of missense changes on protein structure and function output the following: SIFT: "Tolerated"; PolyPhen-2: "Benign"; Align-GVGD: "Class C0". The leucine amino acid residue is found in multiple mammalian species, suggesting that this missense change does not adversely affect protein function. These predictions have not been confirmed by published functional studies and their clinical significance is uncertain. This variant has not been reported in the literature in individuals with SMAD6-related conditions.